The following is an entry in ClinVar:

ClinVar aggregate classification (germline): Likely pathogenic. Review status: criteria provided, multiple submitters, no conflicts (2 of 4 stars). 2 submissions from 2 submitters: Likely pathogenic (2). Last evaluated 2025-03-15.

Conditions:
Intellectual developmental disorder, autosomal dominant 50, with behavioral abnormalities. Also called: Intellectual disability, autosomal dominant 50; MENTAL RETARDATION, AUTOSOMAL DOMINANT 50. Identifiers: MedGen C4540470, MONDO:0030916, OMIM 617787.
NAA15-related disorder.

Submissions (2):

PreventionGenetics, part of Exact Sciences
Classification: Likely pathogenic for NAA15-related condition. Last evaluated: 2025-03-15. Review status: criteria provided, single submitter. Criteria: ACMG Guidelines, 2015. Collection method: clinical testing. Allele origin: germline.
Comment: The NAA15 c.962delG variant is predicted to result in a frameshift and premature protein termination (p.Gly321Valfs*9). To our knowledge, this variant has not been reported in the literature or in a large population database (gnomAD), indicating this variant is rare. Frameshift variants in NAA15 are expected to be pathogenic. This variant is interpreted as likely pathogenic.

Institute of Human Genetics, Clinical Exome/Genome Diagnostics Group, University Hospital Bonn
Classification: Likely pathogenic for Intellectual developmental disorder, autosomal dominant 50, with behavioral abnormalities. Last evaluated: 2023-04-20. Review status: criteria provided, single submitter. Criteria: ACMG Guidelines, 2015. Collection method: clinical testing. Allele origin: germline. Affected: yes.

NM_057175.5(NAA15):c.962del (p.Gly321fs)

Gene: NAA15 (N-alpha-acetyltransferase 15, NatA auxiliary subunit; plus strand). Cytogenetic location: 4q31.1.
Variant type: Deletion.
Coding change: c.962del on transcript NM_057175.5 (MANE Select); coding-DNA position 962, one base deleted (G; older notation c.962delG).
Protein change: p.Gly321fs; shifts the reading frame from glycine 321.
Molecular consequence: frameshift variant.
Genome position (GRCh38, 1-based): chr4:139,351,559, G deleted; the last of 3 consecutive G bases (chr4:139,351,557-139,351,559); deleting any one gives the same sequence. VCF-style (leftmost placement, unchanged base first): chr4-139351556-AG-A. GRCh37 (hg19) VCF-style: chr4-140272710-AG-A.
Other names: c.962delG (NM_057175.3); c.962del, p.Gly321fs (NM_001410842.1); c.962delG, p.Gly321Valfs (NM_025085.2); short protein forms G321fs.
Identifiers: ClinVar variation 2578553 (VCV002578553.2), dbSNP rs2530397425, ClinGen allele CA2580617620.